The following is an entry in ClinVar:

NM_000428.3(LTBP2):c.436G>C (p.Gly146Arg)

Gene: LTBP2 (latent transforming growth factor beta binding protein 2; minus strand). Cytogenetic location: 14q24.3.
Variant type: single nucleotide variant.
Coding change: c.436G>C on transcript NM_000428.3 (MANE Select); coding-DNA position 436, G replaced by C.
Protein change: p.Gly146Arg; replaces glycine 146 with arginine.
Molecular consequence: missense variant.
Genome position (GRCh38, 1-based): chr14:74,611,509, C>G on the plus strand (G>C on the coding strand, the complement: LTBP2 is on the minus strand). VCF-style: chr14-74611509-C-G. GRCh37 (hg19) VCF-style: chr14-75078212-C-G.
Other names: short protein forms G146R.
Identifiers: ClinVar variation 5017605 (VCV005017605.1).

ClinVar aggregate classification (germline): Uncertain significance (1 of 4 stars; one submission).

gnomAD v4.1: 1 of 1,530,190 alleles (0.000065%); highest among the groups gnomAD compares: Admixed American, 0.002%; no homozygotes.

Submission:

GeneDx
Classification: Uncertain significance. Last evaluated: 2026-03-27. Review status: criteria provided, single submitter. Criteria: GeneDx Variant Classification Process June 2021. Collection method: clinical testing. Allele origin: germline.
Comment: Not observed at significant frequency in large population cohorts (gnomAD); In silico analysis suggests that this missense variant does not alter protein structure/function; Has not been previously published as pathogenic or benign to our knowledge